The following is an entry in ClinVar:

ClinVar aggregate classification (germline): Pathogenic (1 of 4 stars; one submission).

Conditions:
Hearing loss, autosomal recessive 111. Also called: DEAFNESS, AUTOSOMAL RECESSIVE 111. Identifiers: MedGen C4748374, MONDO:0029142, OMIM 618145.

Submission:

Institute of Rare Diseases, West China Hospital, Sichuan University
Classification: Pathogenic for Hearing loss, autosomal recessive 111. Last evaluated: 2025-01-09. Review status: criteria provided, single submitter. Criteria: ClinGen HL ACMG Specifications v1. Collection method: research. Allele origin: germline. Affected: yes.
Comment: PVS1;PM3_Supporting;PM2_Supporting

NM_005797.4(MPZL2):c.500dup (p.Ile168fs)

Gene: MPZL2 (myelin protein zero like 2; minus strand). Cytogenetic location: 11q23.3.
Variant type: Duplication.
Coding change: c.500dup on transcript NM_005797.4 (MANE Select); coding-DNA position 500, one base duplicated (T; older notation c.500dupT).
Protein change: p.Ile168fs; shifts the reading frame from isoleucine 168.
Molecular consequence: frameshift variant.
Genome position (GRCh38, 1-based): chr11:118,260,138, A duplicated on the plus strand (T on the coding strand, the reverse complement: MPZL2 is on the minus strand). VCF-style (leftmost placement, unchanged base first): chr11-118260137-T-TA. GRCh37 (hg19) VCF-style: chr11-118130852-T-TA.
Other names: c.500dup, p.Ile168fs (NM_144765.3); short protein forms I168fs.
Identifiers: ClinVar variation 3601281 (VCV003601281.1).